The following is an entry in ClinVar:

ClinVar aggregate classification (germline): Likely benign (1 of 4 stars; one submission).

Submission:

GeneDx
Classification: Likely benign. Last evaluated: 2017-05-23. Review status: criteria provided, single submitter. Criteria: GeneDx Variant Classification (06012015). Collection method: clinical testing. Allele origin: germline. Affected: yes.
Comment: This variant is considered likely benign or benign based on one or more of the following criteria: it is a conservative change, it occurs at a poorly conserved position in the protein, it is predicted to be benign by multiple in silico algorithms, and/or has population frequency not consistent with disease.

NM_017866.6(TMEM70):c.-71_-47dup

Gene: TMEM70 (transmembrane protein 70; plus strand). Cytogenetic location: 8q21.11.
Variant type: Duplication.
Coding change: c.-71_-47dup on transcript NM_017866.6 (MANE Select); 71 bases upstream of the start codon through 47 bases upstream of the start codon, 25 bases duplicated (GGTGGGAAGCCGTGTCTCGCAGTCG).
Molecular consequence: 5 prime UTR variant. On other transcripts: non-coding transcript variant (1).
Genome position (GRCh38, 1-based): chr8:73,976,211-73,976,235, GGTGGGAAGCCGTGTCTCGCAGTCG duplicated; duplicating any 25 consecutive bases within chr8:73,976,204-73,976,235 gives the same sequence; the c. name uses the placement nearest the transcript's 3' end. VCF-style (leftmost placement, unchanged base first): chr8-73976203-G-GGCAGTCGGGTGGGAAGCCGTGTCTC. GRCh37 (hg19) VCF-style: chr8-74888438-G-GGCAGTCGGGTGGGAAGCCGTGTCTC.
Other names: c.-71_-47dup (NM_001040613.3).
Identifiers: ClinVar variation 509553 (VCV000509553.1), dbSNP rs750954458, ClinGen allele CA4783895.
Genomic context (GRCh38, chr8:73,976,203, plus strand): 5'-CACGCGCAGGCAGCCCAGCTGCCAGTCAGGCGTCCCGGGCTGGGCATGCGCCACTTGTGC[G>GGCAGTCGGGTGGGAAGCCGTGTCTC]GCAGTCGGGTGGGAAGCCGTGTCTCGCAGTCGTGGACTCGTGCAGCTGGGGCGTCCGCAG-3'